The following is an entry in ClinVar:

ClinVar aggregate classification (germline): Uncertain significance (1 of 4 stars; one submission).

Conditions:
Inborn genetic diseases. Identifiers: MedGen C0950123, MeSH D030342.

gnomAD v4.1: 1 of 1,613,792 alleles (0.000062%); highest among the groups gnomAD compares: Non-Finnish European, 0.000085%; no homozygotes.

Submission:

Ambry Genetics
Classification: Uncertain significance for Inborn genetic diseases. Last evaluated: 2026-04-01. Review status: criteria provided, single submitter. Criteria: Ambry Variant Classification Scheme 2023. Collection method: clinical testing. Allele origin: germline.
Comment: The c.3020C>T (p.A1007V) alteration is located in exon 17 (coding exon 17) of the ATP2B1 gene. This alteration results from a C to T substitution at nucleotide position 3020, causing the alanine (A) at amino acid position 1007 to be replaced by a valine (V). Based on data from gnomAD, the T allele has an overall frequency of <0.001% (1/250834) total alleles studied. The highest observed frequency was 0.001% (1/113210) of European (non-Finnish) alleles. Based on insufficient or conflicting evidence, the clinical significance of this alteration remains unclear.

NM_001366521.1(ATP2B1):c.3020C>T (p.Ala1007Val)

Gene: ATP2B1 (ATPase plasma membrane Ca2+ transporting 1; minus strand). Cytogenetic location: 12q21.33.
Variant type: single nucleotide variant.
Coding change: c.3020C>T on transcript NM_001366521.1 (MANE Select); coding-DNA position 3020, C replaced by T.
Protein change: p.Ala1007Val; replaces alanine 1007 with valine.
Molecular consequence: missense variant. On other transcripts: non-coding transcript variant (3).
Genome position (GRCh38, 1-based): chr12:89,603,083, G>A on the plus strand (C>T on the coding strand, the complement: ATP2B1 is on the minus strand). VCF-style: chr12-89603083-G-A. GRCh37 (hg19) VCF-style: chr12-89996860-G-A.
Other names: c.3020C>T, p.Ala1007Val (NM_001366527.1, NM_001366528.1, NM_001366529.1 and 12 more transcripts); c.2822C>T, p.Ala941Val (NM_001366530.1, NM_001413053.1); c.2459C>T, p.Ala820Val (NM_001366531.1, NM_001366532.1, NM_001413059.1 and 2 more transcripts); c.2981C>T, p.Ala994Val (NM_001413048.1); c.2879C>T, p.Ala960Val (NM_001413051.1, NM_001413052.1, NM_001413055.1); c.2777C>T, p.Ala926Val (NM_001413054.1); c.2765C>T, p.Ala922Val (NM_001413056.1); c.2567C>T, p.Ala856Val (NM_001413057.1); short protein forms A1007V, A820V, A856V, A922V, A926V, A941V, A960V, A994V.
Identifiers: ClinVar variation 4867141 (VCV004867141.1).
Genomic context (GRCh38, chr12:89,603,083, plus strand): 5'-TATCTTTTCCAATTACCCACCTGTACCACAAAAGTGCCTAAAACAATTGTGCAGAAGATG[G>A]CATTGTTAAAGATTCCTTCGAATACATTTCTTTCACCATGAATTTTCCGGGCATTTATTT-3'
Protein context (NP_001353450.1, residues 997-1017): RNVFEGIFNN[Ala1007Val]IFCTIVLGTF